The following is an entry in ClinVar:

NM_080424.4(SP110):c.1090T>C (p.Ser364Pro)

Genes: SP110 (SP110 nuclear body protein; minus strand), SP140 (SP140 nuclear body protein; plus strand). Cytogenetic location: 2q37.1.
Variant type: single nucleotide variant.
Coding change: c.1090T>C on transcript NM_080424.4 (MANE Select); coding-DNA position 1090, T replaced by C.
Protein change: p.Ser364Pro; replaces serine 364 with proline.
Molecular consequence: missense variant.
Genome position (GRCh38, 1-based): chr2:230,200,924, A>G on the plus strand (T>C on the coding strand, the complement: SP110 is on the minus strand). VCF-style: chr2-230200924-A-G. GRCh37 (hg19) VCF-style: chr2-231065640-A-G.
Other names: c.1108T>C, p.Ser370Pro (NM_001185015.2, NM_001378442.1, NM_001378444.1 and 2 more transcripts); c.1090T>C, p.Ser364Pro (NM_001378443.1, NM_004509.5, NM_004510.4); c.940T>C, p.Ser314Pro (NM_001378447.1); short protein forms S364P, S370P, S314P.
Identifiers: ClinVar variation 2745495 (VCV002745495.3), dbSNP rs2469805646, ClinGen allele CA350910745.

ClinVar aggregate classification (germline): Uncertain significance (1 of 4 stars; one submission).

Conditions:
Hepatic veno-occlusive disease-immunodeficiency syndrome. Also called: Hepatic Veno-Occlusive Disease with Immunodeficiency. Identifiers: Orphanet 79124, MedGen C1856128, MONDO:0009338, OMIM 235550. Disease mechanism: loss of function.

Allele frequency attached by ClinVar (database versions not stated): gnomAD exomes below 0.00001.
gnomAD v4.1: 1 of 1,613,908 alleles (0.000062%); highest among the groups gnomAD compares: Non-Finnish European, 0.000085%; no homozygotes.

Submission:

Labcorp Genetics (formerly Invitae), Labcorp
Classification: Uncertain significance for Hepatic veno-occlusive disease-immunodeficiency syndrome. Last evaluated: 2023-07-20. Review status: criteria provided, single submitter. Criteria: Invitae Variant Classification Sherloc (09022015). Collection method: clinical testing. Allele origin: germline.
Comment: This sequence change replaces serine, which is neutral and polar, with proline, which is neutral and non-polar, at codon 364 of the SP110 protein (p.Ser364Pro). This variant is not present in population databases (gnomAD no frequency). This variant has not been reported in the literature in individuals affected with SP110-related conditions. Algorithms developed to predict the effect of missense changes on protein structure and function output the following: SIFT: "Not Available"; PolyPhen-2: "Benign"; Align-GVGD: "Not Available". The proline amino acid residue is found in multiple mammalian species, which suggests that this missense change does not adversely affect protein function. In summary, the available evidence is currently insufficient to determine the role of this variant in disease. Therefore, it has been classified as a Variant of Uncertain Significance.